The following is an entry in ClinVar:

ClinVar aggregate classification (germline): Uncertain significance (1 of 4 stars; one submission).

Submission:

GeneDx
Classification: Uncertain significance. Last evaluated: 2025-04-17. Review status: criteria provided, single submitter. Criteria: GeneDx Variant Classification Process June 2021. Collection method: clinical testing. Allele origin: germline. Affected: yes.
Comment: Has not been previously published as pathogenic or benign to our knowledge; Not observed at significant frequency in large population cohorts (gnomAD); In-frame deletion of one amino acid in a non-repeat region; In silico analysis supports a deleterious effect on protein structure/function

NM_020180.4(CELF4):c.353AGA[1] (p.Lys119del)

Gene: CELF4 (CUGBP Elav-like family member 4; minus strand). Cytogenetic location: 18q12.2.
Variant type: Microsatellite.
Coding change: c.353AGA[1] on transcript NM_020180.4 (MANE Select); one copy of the 3-base unit AGA starting at c.353; the reference has two copies in a row; one copy, 3 bases deleted.
Protein change: p.Lys119del; deletes lysine 119.
Molecular consequence: inframe deletion. On other transcripts: 5 prime UTR variant (6), non-coding transcript variant (11).
Genome position (GRCh38, 1-based): chr18:37,485,536-37,485,538, TCT deleted on the plus strand (AGA on the coding strand, the reverse complement: CELF4 is on the minus strand); deleting any 3 consecutive bases within chr18:37,485,536-37,485,541 gives the same sequence; the position shown is the placement nearest the transcript's 3' end. VCF-style (leftmost placement, unchanged base first): chr18-37485535-GTCT-G. GRCh37 (hg19) VCF-style: chr18-35065498-GTCT-G.
Other names: c.353AGA[1], p.Lys119del (NM_001025087.2, NM_001025088.2, NM_001025089.2 and 60 more transcripts); c.-17AGA[1] (NM_001353756.2, NM_001353757.2, NM_001353758.2 and 3 more transcripts); short protein forms K119del.
Identifiers: ClinVar variation 4282297 (VCV004282297.1).